The following is an entry in ClinVar:

ClinVar aggregate classification (germline): Pathogenic (1 of 4 stars; one submission).

Allele frequency attached by ClinVar (database versions not stated): gnomAD exomes below 0.00001.

Submission:

Labcorp Genetics (formerly Invitae), Labcorp
Classification: Pathogenic. Last evaluated: 2023-09-05. Review status: criteria provided, single submitter. Criteria: Invitae Variant Classification Sherloc (09022015). Collection method: clinical testing. Allele origin: germline.
Comment: For these reasons, this variant has been classified as Pathogenic. This variant has not been reported in the literature in individuals affected with FRAS1-related conditions. This variant is not present in population databases (gnomAD no frequency). This sequence change creates a premature translational stop signal (p.Ser359Phefs*5) in the FRAS1 gene. It is expected to result in an absent or disrupted protein product. Loss-of-function variants in FRAS1 are known to be pathogenic (PMID: 12766769, 18671281).

Literature cited by the submitters: PubMed 12766769; PubMed 18671281.

NM_025074.7(FRAS1):c.1075dup (p.Ser359fs)

Gene: FRAS1 (Fraser extracellular matrix complex subunit 1; plus strand). Cytogenetic location: 4q21.21.
Variant type: Duplication.
Coding change: c.1075dup on transcript NM_025074.7 (MANE Select); coding-DNA position 1075, one base duplicated (T; older notation c.1075dupT).
Protein change: p.Ser359fs; shifts the reading frame from serine 359.
Molecular consequence: frameshift variant.
Genome position (GRCh38, 1-based): chr4:78,281,401, T duplicated. VCF-style (leftmost placement, unchanged base first): chr4-78281400-G-GT. GRCh37 (hg19) VCF-style: chr4-79202554-G-GT.
Other names: c.1075dup, p.Ser359fs (NM_001166133.2); short protein forms S359fs.
Identifiers: ClinVar variation 2758145 (VCV002758145.3), dbSNP rs2476592492, ClinGen allele CA2578179629.
Genomic context (GRCh38, chr4:78,281,400, plus strand): 5'-ATAATCAGCCTAATGGTGTTTTTAGTGGCATAATAAAGACATTTCTCTTTGTTCCTAGAT[G>GT]TCATCAAATGCTAGTGAAGTTAAACGTATTCCAGTAAGTATAGCTTTTTAACTTGCACGT-3'